The following is an entry in ClinVar:

NM_000051.4(ATM):c.5875G>C (p.Glu1959Gln)

Genes: ATM (ATM serine/threonine kinase; plus strand), C11orf65 (chromosome 11 open reading frame 65; minus strand). Cytogenetic location: 11q22.3.
Variant type: single nucleotide variant.
Coding change: c.5875G>C on transcript NM_000051.4 (MANE Select); coding-DNA position 5875, G replaced by C.
Protein change: p.Glu1959Gln; replaces glutamic acid 1959 with glutamine.
Molecular consequence: missense variant. On other transcripts: intron variant (2).
Genome position (GRCh38, 1-based): chr11:108,310,272, G>C. VCF-style: chr11-108310272-G-C. GRCh37 (hg19) VCF-style: chr11-108180999-G-C.
Other names: c.5875G>C, p.Glu1959Gln (NM_001351834.2); c.641-1201C>G (NM_001330368.2); c.*39-1201C>G (NM_001351110.2); short protein forms E1959Q.
Identifiers: ClinVar variation 2454000 (VCV002454000.2), dbSNP rs2136017422, ClinGen allele CA382548511.

ClinVar aggregate classification (germline): Uncertain significance (1 of 4 stars; one submission).

Conditions:
Hereditary cancer-predisposing syndrome. Also called: Tumor predisposition; Hereditary Cancer Syndrome; Hereditary neoplastic syndrome; Neoplastic Syndromes, Hereditary. Identifiers: Orphanet 140162, MedGen C0027672, MeSH D009386, MONDO:0015356.

Submission:

Ambry Genetics
Classification: Uncertain significance for Hereditary cancer-predisposing syndrome. Last evaluated: 2023-03-09. Review status: criteria provided, single submitter. Criteria: Ambry Variant Classification Scheme 2023. Collection method: clinical testing. Allele origin: germline.
Comment: The p.E1959Q variant (also known as c.5875G>C), located in coding exon 38 of the ATM gene, results from a G to C substitution at nucleotide position 5875. The glutamic acid at codon 1959 is replaced by glutamine, an amino acid with highly similar properties. This amino acid position is conserved. In addition, the in silico prediction for this alteration is inconclusive. Since supporting evidence is limited at this time, the clinical significance of this alteration remains unclear.